The following is an entry in ClinVar:

ClinVar aggregate classification (germline): Uncertain significance. Review status: criteria provided, multiple submitters, no conflicts (2 of 4 stars). 2 submissions from 2 submitters: Uncertain significance (2). Last evaluated 2026-01-27.

Conditions:
Cardiovascular phenotype. Identifiers: MedGen CN230736.
Hypertrophic cardiomyopathy. Also called: HYPERTROPHIC MYOCARDIOPATHY. Identifiers: Orphanet 217569, MedGen C0007194, MeSH D002312, MONDO:0005045, HP:0001639.

Allele frequency attached by ClinVar (database versions not stated): ExAC 0.00001; gnomAD exomes below 0.00001.
gnomAD v4.1: 1 of 1,614,052 alleles (0.000062%); highest among the groups gnomAD compares: Non-Finnish European, 0.000085%; no homozygotes.

Submissions (2):

Labcorp Genetics (formerly Invitae), Labcorp
Classification: Uncertain significance for Hypertrophic cardiomyopathy. Last evaluated: 2026-01-27. Review status: criteria provided, single submitter. Criteria: Invitae Variant Classification Sherloc (09022015). Collection method: clinical testing. Allele origin: germline.
Comment: This sequence change replaces asparagine, which is neutral and polar, with serine, which is neutral and polar, at codon 140 of the MYOZ2 protein (p.Asn140Ser). This variant is present in population databases (rs745351307, gnomAD 0.02%). This variant has not been reported in the literature in individuals affected with MYOZ2-related conditions. ClinVar contains an entry for this variant (Variation ID: 2491141). Invitae Evidence Modeling of protein sequence and biophysical properties (such as structural, functional, and spatial information, amino acid conservation, physicochemical variation, residue mobility, and thermodynamic stability) has been performed for this missense variant. However, the output from this modeling did not meet the statistical confidence thresholds required to predict the impact of this variant on MYOZ2 protein function. In summary, the available evidence is currently insufficient to determine the role of this variant in disease. Therefore, it has been classified as a Variant of Uncertain Significance.

Ambry Genetics
Classification: Uncertain significance for Cardiovascular phenotype. Last evaluated: 2023-02-28. Review status: criteria provided, single submitter. Criteria: Ambry Variant Classification Scheme 2023. Collection method: clinical testing. Allele origin: germline.

NM_016599.5(MYOZ2):c.419A>G (p.Asn140Ser)

Gene: MYOZ2 (myozenin 2; plus strand). Cytogenetic location: 4q26.
Variant type: single nucleotide variant.
Coding change: c.419A>G on transcript NM_016599.5 (MANE Select); coding-DNA position 419, A replaced by G.
Protein change: p.Asn140Ser; replaces asparagine 140 with serine.
Molecular consequence: missense variant.
Genome position (GRCh38, 1-based): chr4:119,164,253, A>G. VCF-style: chr4-119164253-A-G. GRCh37 (hg19) VCF-style: chr4-120085408-A-G.
Other names: short protein forms N140S.
Identifiers: ClinVar variation 2491141 (VCV002491141.3), dbSNP rs745351307, ClinGen allele CA3058632.